The following is an entry in ClinVar:

NM_001204375.2(NPR3):c.382C>G (p.Pro128Ala)

Genes: NPR3 (natriuretic peptide receptor 3; plus strand), LOC123493284 (Sharpr-MPRA regulatory region 158; plus strand). Cytogenetic location: 5p13.3.
Variant type: single nucleotide variant.
Coding change: c.382C>G on transcript NM_001204375.2 (MANE Select); coding-DNA position 382, C replaced by G.
Protein change: p.Pro128Ala; replaces proline 128 with alanine.
Molecular consequence: missense variant. On other transcripts: intron variant (4).
Genome position (GRCh38, 1-based): chr5:32,712,158, C>G. VCF-style: chr5-32712158-C-G. GRCh37 (hg19) VCF-style: chr5-32712264-C-G.
Other names: c.382C>G, p.Pro128Ala (NM_000908.4); c.50-12540C>G (NM_001364458.2); c.121+1375C>G (NM_001363652.2, NM_001204376.2, NM_001364460.2); c.382C>G (NM_001204375.1); short protein forms P128A.
Identifiers: ClinVar variation 2504337 (VCV002504337.2), dbSNP rs1020773035, ClinGen allele CA116849172.

ClinVar aggregate classification (germline): Uncertain significance. Review status: criteria provided, multiple submitters, no conflicts (2 of 4 stars). 2 submissions from 2 submitters: Uncertain significance (2). Last evaluated 2025-11-05.

Conditions:
Inborn genetic diseases. Identifiers: MedGen C0950123, MeSH D030342.

Allele frequency attached by ClinVar (database versions not stated): TOPMed 0.00001; gnomAD exomes 0.00001.
gnomAD v4.1: 4 of 1,613,364 alleles (0.00025%); highest among the groups gnomAD compares: Non-Finnish European, 0.00034%; no homozygotes.

Submissions (2):

Ambry Genetics
Classification: Uncertain significance for Inborn genetic diseases. Last evaluated: 2025-11-05. Review status: criteria provided, single submitter. Criteria: Ambry Variant Classification Scheme 2023. Collection method: clinical testing. Allele origin: germline.

GeneDx
Classification: Uncertain significance. Last evaluated: 2022-11-29. Review status: criteria provided, single submitter. Criteria: GeneDx Variant Classification Process June 2021. Collection method: clinical testing. Allele origin: germline. Affected: yes.
Comment: Not observed at significant frequency in large population cohorts (gnomAD); In silico analysis supports that this missense variant has a deleterious effect on protein structure/function; Has not been previously published as pathogenic or benign to our knowledge